The following is an entry in ClinVar:

ClinVar aggregate classification (germline): Pathogenic. Review status: reviewed by expert panel (3 of 4 stars). 6 submissions from 6 submitters: Pathogenic (1). 5 of the submissions do not count toward it. Last evaluated 2016-09-08.

Conditions:
BRCA1-related disorder. Also called: BRCA1-related condition.
Hereditary breast ovarian cancer syndrome. Also called: Hereditary breast and ovarian cancer syndrome; Hereditary breast and ovarian cancer syndrome (HBOC); BRCA1- and BRCA2-Associated Hereditary Breast and Ovarian Cancer; Breast and ovarian cancer; Hereditary breast and ovarian cancer; Hereditary breast and/or ovarian cancer syndrome. Identifiers: Orphanet 145, MedGen C0677776, MeSH D061325, MONDO:0003582. Disease mechanism: loss of function.
Breast-ovarian cancer, familial, susceptibility to, 1 (BROVCA1). Also called: OVARIAN CANCER, SUSCEPTIBILITY TO; BRCA1 Hereditary Breast and Ovarian Cancer. Identifiers: Orphanet 145, MedGen C2676676, MONDO:0011450, OMIM 604370. Disease mechanism: loss of function.
Hereditary cancer-predisposing syndrome. Also called: Hereditary Cancer Syndrome; Hereditary neoplastic syndrome; Tumor predisposition; Neoplastic Syndromes, Hereditary. Identifiers: Orphanet 140162, MedGen C0027672, MeSH D009386, MONDO:0015356.

Submissions (6):

Evidence-based Network for the Interpretation of Germline Mutant Alleles (ENIGMA)
Classification: Pathogenic for Breast-ovarian cancer, familial, susceptibility to, 1. Last evaluated: 2016-09-08. Review status: reviewed by expert panel. Criteria: ENIGMA BRCA1/2 Classification Criteria (2015). Collection method: curation. Allele origin: germline.
Comment: Variant allele predicted to encode a truncated non-functional protein.

Labcorp Genetics (formerly Invitae), Labcorp
Classification: Pathogenic for Hereditary breast ovarian cancer syndrome. Last evaluated: 2025-06-16. Review status: criteria provided, single submitter. Criteria: Invitae Variant Classification Sherloc (09022015). Collection method: clinical testing. Allele origin: germline. Not counted in ClinVar's aggregate classification.
Comment: This sequence change creates a premature translational stop signal (p.Lys1171*) in the BRCA1 gene. It is expected to result in an absent or disrupted protein product. Loss-of-function variants in BRCA1 are known to be pathogenic (PMID: 20104584). This variant is not present in population databases (gnomAD no frequency). This premature translational stop signal has been observed in individual(s) with breast or ovarian cancer (PMID: 26014432). ClinVar contains an entry for this variant (Variation ID: 183177). For these reasons, this variant has been classified as Pathogenic.

Ambry Genetics
Classification: Pathogenic for Hereditary cancer-predisposing syndrome. Last evaluated: 2021-05-17. Review status: criteria provided, single submitter. Criteria: Ambry Variant Classification Scheme 2023. Collection method: clinical testing. Allele origin: germline. Not counted in ClinVar's aggregate classification.
Comment: The p.K1171* pathogenic mutation (also known as c.3511A>T), located in coding exon 9 of the BRCA1 gene, results from an A to T substitution at nucleotide position 3511. This changes the amino acid from a lysine to a stop codon within coding exon 9. This alteration was identified in 2/238 unrelated Austrian individuals with suspected hereditary breast and ovarian cancer (P&ouml;lsler L et al. Eur. J. Hum. Genet. 2016 Feb;24:258-62). This alteration was also identified in a large, worldwide study of BRCA1/2 mutation positive families (Rebbeck TR et al. Hum Mutat, 2018 05;39:593-620). In addition to the clinical data presented in the literature, this alteration is expected to result in loss of function by premature protein truncation or nonsense-mediated mRNA decay. As such, this alteration is interpreted as a disease-causing mutation.

Consortium of Investigators of Modifiers of BRCA1/2 (CIMBA), c/o University of Cambridge
Classification: Pathogenic for Breast-ovarian cancer, familial, susceptibility to, 1. Last evaluated: 2015-10-02. Review status: criteria provided, single submitter. Criteria: CIMBA Mutation Classification guidelines May 2016. Collection method: clinical testing. Allele origin: germline. Not counted in ClinVar's aggregate classification.

PreventionGenetics, part of Exact Sciences
Classification: Pathogenic for BRCA1-related condition. Last evaluated: 2024-04-18. Review status: no assertion criteria provided. Collection method: clinical testing. Allele origin: germline. Not counted in ClinVar's aggregate classification.
Comment: The BRCA1 c.3511A>T variant is predicted to result in premature protein termination (p.Lys1171*). This variant was reported in a large cohort of families tested for BRCA1 variants (Rebbeck et al. 2018. PubMed ID: 29446198). This variant has not been reported in a large population database, indicating this variant is rare. It is classified as pathogenic by several labs in ClinVar. Nonsense variants in BRCA1 are expected to be pathogenic. This variant is interpreted as pathogenic.

Institute of Human Genetics, Medical University Innsbruck
Classification: Pathogenic for Breast-ovarian cancer, familial 1. Last evaluated: 2015-02-11. Review status: no assertion criteria provided. Criteria: clinical testing. Collection method: clinical testing. Allele origin: germline. Affected: yes. Observed: 2 variant alleles. Study: BRCA-Tyrol. Not counted in ClinVar's aggregate classification.
Comment: BRCA-mutation spectrum Western Austria

Literature cited by the submitters: PubMed 20104584 (cited by Labcorp Genetics (formerly Invitae), Labcorp); PubMed 26014432 (cited by Labcorp Genetics (formerly Invitae), Labcorp and Ambry Genetics); PubMed 29446198 (cited by Ambry Genetics).

NM_007294.4(BRCA1):c.3511A>T (p.Lys1171Ter)

Genes: BRCA1 (BRCA1 DNA repair associated; minus strand), LOC126862571 (BRD4-independent group 4 enhancer GRCh37_chr17:41243136-41244335; plus strand). Cytogenetic location: 17q21.31.
Variant type: single nucleotide variant.
Coding change: c.3511A>T on transcript NM_007294.4 (MANE Select); coding-DNA position 3511, A replaced by T.
Protein change: p.Lys1171Ter; replaces lysine 1171 with a stop codon.
Molecular consequence: nonsense. On other transcripts: intron variant (135).
Genome position (GRCh38, 1-based): chr17:43,092,020, T>A on the plus strand (A>T on the coding strand, the complement: BRCA1 is on the minus strand). VCF-style: chr17-43092020-T-A. GRCh37 (hg19) VCF-style: chr17-41244037-T-A.
Other names: c.3511A>T, p.Lys1171Ter (NM_007300.4, NM_001407581.1, NM_001407582.1 and 30 more transcripts); c.647-988A>T (NM_001408458.1, NM_001408469.1, NM_001408453.1 and 11 more transcripts); c.284-988A>T (NM_001408512.1); c.407-988A>T (NM_001408510.1); c.644-988A>T (NM_001408470.1, NM_001408464.1, NM_001408468.1 and 3 more transcripts); c.785-988A>T (NM_001408397.1, NM_001408401.1, NM_001408396.1 and 13 more transcripts); c.665-988A>T (NM_001408436.1, NM_001408444.1, NM_001408438.1 and 12 more transcripts); c.788-988A>T (NM_001407980.1, NM_001407993.1, NM_001407976.1 and 17 more transcripts); and 41 more; short protein forms K1171*, K1124*, K1100*, K1103*, K1144*, K875*, K1043*, K1044*.
Identifiers: ClinVar variation 183177 (VCV000183177.20), dbSNP rs730882164, ClinGen allele CA002255.